The following is an entry in ClinVar:

ClinVar aggregate classification (germline): Uncertain significance (1 of 4 stars; one submission).

Allele frequency attached by ClinVar (database versions not stated): ExAC 0.00001.

Submission:

Labcorp Genetics (formerly Invitae), Labcorp
Classification: Uncertain significance. Last evaluated: 2022-10-14. Review status: criteria provided, single submitter. Criteria: Invitae Variant Classification Sherloc (09022015). Collection method: clinical testing. Allele origin: germline.
Comment: This sequence change replaces valine, which is neutral and non-polar, with alanine, which is neutral and non-polar, at codon 1078 of the ITGAM protein (p.Val1078Ala). In summary, the available evidence is currently insufficient to determine the role of this variant in disease. Therefore, it has been classified as a Variant of Uncertain Significance. Algorithms developed to predict the effect of missense changes on protein structure and function output the following: SIFT: "Tolerated"; PolyPhen-2: "Benign"; Align-GVGD: "Class C0". The alanine amino acid residue is found in multiple mammalian species, which suggests that this missense change does not adversely affect protein function. This variant has not been reported in the literature in individuals affected with ITGAM-related conditions. This variant is present in population databases (rs753909425, gnomAD 0.0009%).

NM_000632.4(ITGAM):c.3233T>C (p.Val1078Ala)

Gene: ITGAM (integrin subunit alpha M; plus strand). Cytogenetic location: 16p11.2.
Variant type: single nucleotide variant.
Coding change: c.3233T>C on transcript NM_000632.4 (MANE Select); coding-DNA position 3233, T replaced by C.
Protein change: p.Val1078Ala; replaces valine 1078 with alanine.
Molecular consequence: missense variant.
Genome position (GRCh38, 1-based): chr16:31,330,562, T>C. VCF-style: chr16-31330562-T-C. GRCh37 (hg19) VCF-style: chr16-31341883-T-C.
Other names: c.3236T>C, p.Val1079Ala (NM_001145808.2); short protein forms V1078A, V1079A.
Identifiers: ClinVar variation 1721651 (VCV001721651.5), dbSNP rs753909425, ClinGen allele CA8026125.